The following is an entry in ClinVar:

ClinVar aggregate classification (germline): Conflicting classifications of pathogenicity. Review status: criteria provided, conflicting classifications (1 of 4 stars). 4 submissions from 4 submitters: Uncertain significance (2); Likely benign (1). 1 of the submissions does not count toward it. Last evaluated 2025-12-15.

Conditions:
Inborn genetic diseases. Identifiers: MedGen C0950123, MeSH D030342.
Congenital hyperammonemia, type I. Also called: CPS I DEFICIENCY; Carbamoyl phosphate synthetase I deficiency disease; Carbamoyl-phosphate synthase I deficiency; Carbamoyl phosphate synthetase 1 deficiency; Hyperammonemia due to carbamoyl phosphate synthetase 1 deficiency; CPS 1 deficiency. Identifiers: Orphanet 147, MedGen C4082171, MONDO:0009376, OMIM 237300.

Allele frequency attached by ClinVar (database versions not stated): gnomAD exomes 0.00001 and 0.00004; ExAC 0.00003; gnomAD 0.00012 and 0.00013; TOPMed 0.00014; ESP Exome Variant Server 0.00015.
gnomAD v4.1: 40 of 1,612,790 alleles (0.0025%); highest among the groups gnomAD compares: African/African-American, 0.051%; no homozygotes.

Submissions (4):

Ambry Genetics
Classification: Uncertain significance for Inborn genetic diseases. Last evaluated: 2025-12-15. Review status: criteria provided, single submitter. Criteria: Ambry Variant Classification Scheme 2023. Collection method: clinical testing. Allele origin: germline.

Labcorp Genetics (formerly Invitae), Labcorp
Classification: Likely benign for Congenital hyperammonemia, type I. Last evaluated: 2025-05-14. Review status: criteria provided, single submitter. Criteria: Invitae Variant Classification Sherloc (09022015). Collection method: clinical testing. Allele origin: germline.

Baylor Genetics
Classification: Uncertain significance for Congenital hyperammonemia, type I. Last evaluated: 2022-03-24. Review status: criteria provided, single submitter. Criteria: ACMG Guidelines, 2015. Collection method: clinical testing. Allele origin: unknown.

Natera, Inc.
Classification: Uncertain significance for Carbamoyl-phosphate synthase I deficiency. Last evaluated: 2020-02-21. Review status: no assertion criteria provided. Collection method: clinical testing. Allele origin: germline. Not counted in ClinVar's aggregate classification.

NM_001875.5(CPS1):c.121G>T (p.Val41Phe)

Gene: CPS1 (carbamoyl-phosphate synthase 1; plus strand). Cytogenetic location: 2q34.
Variant type: single nucleotide variant.
Coding change: c.121G>T on transcript NM_001875.5 (MANE Select); coding-DNA position 121, G replaced by T.
Protein change: p.Val41Phe; replaces valine 41 with phenylalanine.
Molecular consequence: missense variant. On other transcripts: non-coding transcript variant (1).
Genome position (GRCh38, 1-based): chr2:210,556,854, G>T. VCF-style: chr2-210556854-G-T. GRCh37 (hg19) VCF-style: chr2-211421578-G-T.
Other names: c.121G>T, p.Val41Phe (NM_001122633.3, NM_001369257.1); c.154G>T, p.Val52Phe (NM_001369256.1); c.121G>T (LRG_336t1); short protein forms V41F, V52F.
Identifiers: ClinVar variation 648563 (VCV000648563.17), dbSNP rs148708735, ClinGen allele CA2085938.